The following is an entry in ClinVar:

NM_013335.4(GMPPA):c.952C>T (p.Arg318Trp)

Genes: ASIC4-AS1 (ASIC4 antisense RNA 1; minus strand), GMPPA (GDP-mannose pyrophosphorylase A; plus strand). Cytogenetic location: 2q35.
Variant type: single nucleotide variant.
Coding change: c.952C>T on transcript NM_013335.4 (MANE Select); coding-DNA position 952, C replaced by T.
Protein change: p.Arg318Trp; replaces arginine 318 with tryptophan.
Molecular consequence: missense variant.
Genome position (GRCh38, 1-based): chr2:219,506,031, C>T. VCF-style: chr2-219506031-C-T. GRCh37 (hg19) VCF-style: chr2-220370753-C-T.
Other names: c.952C>T, p.Arg318Trp (NM_001374294.1, NM_001374295.1, NM_205847.3); short protein forms R318W.
Identifiers: ClinVar variation 3685821 (VCV003685821.2).

ClinVar aggregate classification (germline): Uncertain significance (1 of 4 stars; one submission).

Conditions:
Alacrima, achalasia, and impaired intellectual development syndrome. Also called: Alacrima, achalasia, and mental retardation syndrome; Alacrima, achalasia, and intellectual disability syndrome. Identifiers: Orphanet 869, MedGen C4706563, MONDO:0014219, OMIM 615510.

gnomAD v4.1: 115 of 1,593,940 alleles (0.0072%); highest among the groups gnomAD compares: Non-Finnish European, 0.0092%; no homozygotes.

Submission:

Labcorp Genetics (formerly Invitae), Labcorp
Classification: Uncertain significance for Alacrima, achalasia, and impaired intellectual development syndrome. Last evaluated: 2024-06-25. Review status: criteria provided, single submitter. Criteria: Invitae Variant Classification Sherloc (09022015). Collection method: clinical testing. Allele origin: germline.
Comment: This sequence change replaces arginine, which is basic and polar, with tryptophan, which is neutral and slightly polar, at codon 318 of the GMPPA protein (p.Arg318Trp). The frequency data for this variant in the population databases is considered unreliable, as metrics indicate poor data quality at this position in the gnomAD database. This missense change has been observed in individuals with GMPPA-related conditions (PMID: 35665995; Invitae). Advanced modeling of protein sequence and biophysical properties (such as structural, functional, and spatial information, amino acid conservation, physicochemical variation, residue mobility, and thermodynamic stability) performed at Invitae indicates that this missense variant is expected to disrupt GMPPA protein function with a positive predictive value of 80%. In summary, the available evidence is currently insufficient to determine the role of this variant in disease. Therefore, it has been classified as a Variant of Uncertain Significance.

Literature cited by the submitters: PubMed 35665995.